The following is an entry in ClinVar:

NM_020631.6(PLEKHG5):c.1934G>C (p.Gly645Ala)

Gene: PLEKHG5 (pleckstrin homology and RhoGEF domain containing G5; minus strand). Cytogenetic location: 1p36.31.
Variant type: single nucleotide variant.
Coding change: c.1934G>C on transcript NM_020631.6 (MANE Select); coding-DNA position 1934, G replaced by C.
Protein change: p.Gly645Ala; replaces glycine 645 with alanine.
Molecular consequence: missense variant.
Genome position (GRCh38, 1-based): chr1:6,469,450, C>G on the plus strand (G>C on the coding strand, the complement: PLEKHG5 is on the minus strand). VCF-style: chr1-6469450-C-G. GRCh37 (hg19) VCF-style: chr1-6529510-C-G.
Other names: c.2141G>C, p.Gly714Ala (NM_001265593.2); c.1934G>C, p.Gly645Ala (NM_001265594.3, NM_198681.4, NM_001042664.2 and 1 more transcripts); c.2045G>C, p.Gly682Ala (NM_001265592.2, NM_001042663.3); short protein forms G714A, G682A, G645A.
Identifiers: ClinVar variation 1038835 (VCV001038835.7), dbSNP rs749072819, ClinGen allele CA561296.

ClinVar aggregate classification (germline): Uncertain significance. Review status: criteria provided, multiple submitters, no conflicts (2 of 4 stars). 2 submissions from 2 submitters: Uncertain significance (2). Last evaluated 2024-12-03.

Conditions:
Inborn genetic diseases. Identifiers: MedGen C0950123, MeSH D030342.
Charcot-Marie-Tooth disease recessive intermediate C. Also called: CHARCOT-MARIE-TOOTH NEUROPATHY, RECESSIVE INTERMEDIATE C. Identifiers: Orphanet 369867, MedGen C3809309, MONDO:0014154, OMIM 615376.
Neuronopathy, distal hereditary motor, autosomal recessive 4. Also called: Autosomal recessive lower motor neuron disease with childhood onset; NEUROPATHY, DISTAL HEREDITARY MOTOR, AUTOSOMAL RECESSIVE 4. Identifiers: Orphanet 206580, MedGen C1970211, MONDO:0012608, OMIM 611067.

Allele frequency attached by ClinVar (database versions not stated): TOPMed below 0.00001; ExAC 0.00001; gnomAD 0.00001; gnomAD exomes 0.00001.
gnomAD v4.1: 5 of 1,613,706 alleles (0.00031%); highest among the groups gnomAD compares: Non-Finnish European, 0.00042%; no homozygotes.

Submissions (2):

Ambry Genetics
Classification: Uncertain significance for Inborn genetic diseases. Last evaluated: 2024-12-03. Review status: criteria provided, single submitter. Criteria: Ambry Variant Classification Scheme 2023. Collection method: clinical testing. Allele origin: germline.

Labcorp Genetics (formerly Invitae), Labcorp
Classification: Uncertain significance for Neuronopathy, distal hereditary motor, autosomal recessive 4; Charcot-Marie-Tooth disease recessive intermediate C. Last evaluated: 2022-06-20. Review status: criteria provided, single submitter. Criteria: Invitae Variant Classification Sherloc (09022015). Collection method: clinical testing. Allele origin: germline.
Comment: This sequence change replaces glycine, which is neutral and non-polar, with alanine, which is neutral and non-polar, at codon 645 of the PLEKHG5 protein (p.Gly645Ala). This variant is present in population databases (rs749072819, gnomAD 0.0009%). This variant has not been reported in the literature in individuals affected with PLEKHG5-related conditions. ClinVar contains an entry for this variant (Variation ID: 1038835). Algorithms developed to predict the effect of missense changes on protein structure and function are either unavailable or do not agree on the potential impact of this missense change (SIFT: "Tolerated"; PolyPhen-2: "Possibly Damaging"; Align-GVGD: "Class C0"). Algorithms developed to predict the effect of sequence changes on RNA splicing suggest that this variant may create or strengthen a splice site. In summary, the available evidence is currently insufficient to determine the role of this variant in disease. Therefore, it has been classified as a Variant of Uncertain Significance.